The following is an entry in ClinVar:

NM_001364905.1(LRBA):c.544C>T (p.Arg182Ter)

Gene: LRBA (LPS responsive beige-like anchor protein; minus strand). Cytogenetic location: 4q31.3.
Variant type: single nucleotide variant.
Coding change: c.544C>T on transcript NM_001364905.1 (MANE Select); coding-DNA position 544, C replaced by T.
Protein change: p.Arg182Ter; replaces arginine 182 with a stop codon.
Molecular consequence: nonsense.
Genome position (GRCh38, 1-based): chr4:150,928,521, G>A on the plus strand (C>T on the coding strand, the complement: LRBA is on the minus strand). VCF-style: chr4-150928521-G-A. GRCh37 (hg19) VCF-style: chr4-151849673-G-A.
Other names: c.544C>T, p.Arg182Ter (NM_001199282.3, NM_001367550.1, NM_006726.5); short protein forms R182*.
Identifiers: ClinVar variation 3720595 (VCV003720595.3).
Genomic context (GRCh38, chr4:150,928,521, plus strand): 5'-ATGTGTTTGGGAGGAGCATACTTTAAAATACCAAAGAGTACTTAAGTTTTTTTACCCATC[G>A]TCCTTTATCTCCTTGAAGTTTACTGAAGAAAAGCTTTAGCTCGCGAACTGTCAAATTATA-3'

ClinVar aggregate classification (germline): Pathogenic. Review status: criteria provided, multiple submitters, no conflicts (2 of 4 stars). 2 submissions from 2 submitters: Pathogenic (2). Last evaluated 2024-10-13.

Conditions:
LRBA-related disorder. Also called: LRBA-related condition.
Combined immunodeficiency due to LRBA deficiency. Also called: Common variable immunodeficiency 8, with autoimmunity. Identifiers: Orphanet 445018, MedGen C3553512, MONDO:0013863, OMIM 614700.

gnomAD v4.1: 8 of 1,610,348 alleles (0.0005%); highest among the groups gnomAD compares: Non-Finnish European, 0.00068%; no homozygotes.

Submissions (2):

Labcorp Genetics (formerly Invitae), Labcorp
Classification: Pathogenic for Combined immunodeficiency due to LRBA deficiency. Last evaluated: 2024-10-13. Review status: criteria provided, single submitter. Criteria: Invitae Variant Classification Sherloc (09022015). Collection method: clinical testing. Allele origin: germline.
Comment: This sequence change creates a premature translational stop signal (p.Arg182*) in the LRBA gene. It is expected to result in an absent or disrupted protein product. Loss-of-function variants in LRBA are known to be pathogenic (PMID: 26206937, 26768763). This variant is present in population databases (rs781391452, gnomAD 0.003%). This premature translational stop signal has been observed in individual(s) with LRBA deficiency (PMID: 29528757). For these reasons, this variant has been classified as Pathogenic.

Blueprint Genetics
Classification: Pathogenic for LRBA-related disorders. Last evaluated: 2019-06-06. Review status: criteria provided, single submitter. Criteria: ACMG Guidelines, 2015. Collection method: clinical testing. Allele origin: germline. Affected: yes. Observed: 2 variant alleles.

Literature cited by the submitters: PubMed 26206937 (cited by Labcorp Genetics (formerly Invitae), Labcorp); PubMed 26768763 (cited by Labcorp Genetics (formerly Invitae), Labcorp); PubMed 29528757 (cited by Labcorp Genetics (formerly Invitae), Labcorp).